The following is an entry in ClinVar:

ClinVar aggregate classification (germline): Benign. Review status: criteria provided, multiple submitters, no conflicts (2 of 4 stars). 2 submissions from 2 submitters: Benign (2). Last evaluated 2018-06-14.

Allele frequency attached by ClinVar (database versions not stated): gnomAD exomes 0.16022; 1000 Genomes Project 0.17252; 1000 Genomes Project 30x 0.17505; gnomAD 0.18251 and 0.18592; TOPMed 0.18675.
gnomAD v4.1: 249,172 of 1,534,834 alleles (16%); highest among the groups gnomAD compares: African/African-American, 26%; 21,321 homozygotes.

Submissions (2):

GeneDx
Classification: Benign. Last evaluated: 2018-06-14. Review status: criteria provided, single submitter. Criteria: GeneDx Variant Classification (06012015). Collection method: clinical testing. Allele origin: germline. Affected: yes.
Comment: This variant is considered likely benign or benign based on one or more of the following criteria: it is a conservative change, it occurs at a poorly conserved position in the protein, it is predicted to be benign by multiple in silico algorithms, and/or has population frequency not consistent with disease.

Breakthrough Genomics
Classification: Benign. Review status: criteria provided, single submitter. Criteria: ACMG Guidelines, 2015. Collection method: not provided. Allele origin: germline. Inheritance: Autosomal recessive inheritance. Affected: yes.

NM_004544.4(NDUFA10):c.547+169C>T

Gene: NDUFA10 (NADH:ubiquinone oxidoreductase subunit A10; minus strand). Cytogenetic location: 2q37.3.
Variant type: single nucleotide variant.
Coding change: c.547+169C>T on transcript NM_004544.4 (MANE Select); 169 bases into the intron after coding-DNA position 547, C replaced by T.
Molecular consequence: intron variant.
Genome position (GRCh38, 1-based): chr2:240,018,384, G>A on the plus strand (C>T on the coding strand, the complement: NDUFA10 is on the minus strand). VCF-style: chr2-240018384-G-A. GRCh37 (hg19) VCF-style: chr2-240957801-G-A.
Other names: c.547+169C>T (NM_001322020.2, NM_001322019.2).
Identifiers: ClinVar variation 669868 (VCV000669868.2), dbSNP rs10804402, ClinGen allele CA11176373.